The following is an entry in ClinVar:

ClinVar aggregate classification (germline): Uncertain significance. Review status: criteria provided, multiple submitters, no conflicts (2 of 4 stars). 6 submissions from 6 submitters: Uncertain significance (6). Last evaluated 2025-10-21.

Conditions:
Hereditary cancer-predisposing syndrome. Also called: Hereditary Cancer Syndrome; Hereditary neoplastic syndrome; Tumor predisposition; Neoplastic Syndromes, Hereditary. Identifiers: Orphanet 140162, MedGen C0027672, MeSH D009386, MONDO:0015356.
Endometrial carcinoma. Also called: Endometrial carcinoma, somatic. Identifiers: MedGen C0476089, MONDO:0002447, OMIM 608089, HP:0012114.

Allele frequency attached by ClinVar (database versions not stated): gnomAD exomes 0.00001; TOPMed below 0.00001; gnomAD 0.00001; ExAC 0.00001.

Submissions (6):

Labcorp Genetics (formerly Invitae), Labcorp
Classification: Uncertain significance. Last evaluated: 2025-10-21. Review status: criteria provided, single submitter. Criteria: Invitae Variant Classification Sherloc (09022015). Collection method: clinical testing. Allele origin: germline.
Comment: This sequence change replaces isoleucine, which is neutral and non-polar, with valine, which is neutral and non-polar, at codon 507 of the MSH3 protein (p.Ile507Val). This variant is present in population databases (rs770250448, gnomAD 0.006%). This variant has not been reported in the literature in individuals affected with MSH3-related conditions. ClinVar contains an entry for this variant (Variation ID: 663433). An algorithm developed to predict the effect of missense changes on protein structure and function (PolyPhen-2) suggests that this variant is likely to be tolerated. In summary, the available evidence is currently insufficient to determine the role of this variant in disease. Therefore, it has been classified as a Variant of Uncertain Significance.

Dasa
Classification: Uncertain significance. Last evaluated: 2025-08-22. Review status: criteria provided, single submitter. Criteria: DASA Assertion Criteria. Collection method: clinical testing. Allele origin: germline.
Comment: NM_002439.5(MSH3):c.1519A>G (p.Ile507Val) is a missense variant that results in the substitution of isoleucine with valine. This variant is rare in population databases. The currently available literature and clinical evidence are not sufficient to establish a definitive association between this variant and the reported condition. Therefore, this variant is classified as a variant of uncertain significance.

Quest Diagnostics Nichols Institute San Juan Capistrano
Classification: Uncertain significance. Last evaluated: 2025-06-04. Review status: criteria provided, single submitter. Criteria: Quest Diagnostics criteria. Collection method: clinical testing. Allele origin: unknown.
Comment: The MSH3 c.1519A>G (p.Ile507Val) variant has not been reported in individuals with MSH3-related conditions in the published literature. The frequency of this variant in the general population (Genome Aggregation Database) is uninformative in the assessment of its pathogenicity. Analysis of this variant using bioinformatics tools for the prediction of the effect of amino acid changes on protein structure and function yielded conflicting predictions that this variant is benign or damaging. Based on the available information, we are unable to determine the clinical significance of this variant.

Baylor Genetics
Classification: Uncertain significance for Endometrial carcinoma. Last evaluated: 2024-03-25. Review status: criteria provided, single submitter. Criteria: ACMG Guidelines, 2015. Collection method: clinical testing. Allele origin: unknown.

Ambry Genetics
Classification: Uncertain significance for Hereditary cancer-predisposing syndrome. Last evaluated: 2023-08-24. Review status: criteria provided, single submitter. Criteria: Ambry Variant Classification Scheme 2023. Collection method: clinical testing. Allele origin: germline.
Comment: The p.I507V variant (also known as c.1519A>G), located in coding exon 10 of the MSH3 gene, results from an A to G substitution at nucleotide position 1519. The isoleucine at codon 507 is replaced by valine, an amino acid with highly similar properties. This amino acid position is highly conserved in available vertebrate species. In addition, the in silico prediction for this alteration is inconclusive. Since supporting evidence is limited at this time, the clinical significance of this alteration remains unclear.

Sema4
Classification: Uncertain significance for Hereditary cancer-predisposing syndrome. Last evaluated: 2021-11-30. Review status: criteria provided, single submitter. Criteria: Sema4 Curation Guidelines. Collection method: curation. Allele origin: germline.
Comment: The MSH3 c.1519A>G (p.I507V) variant has not been reported in the literature to our knowledge. It was observed in 1/18378 chromosomes of the East Asian subpopulation in the large and broad cohorts of the Genome Aggregation Database (PMID: 32461654), and has been reported in ClinVar (Variation ID 663433). Functional studies have not been performed, and in silico predictions of the variant's effect on protein function are inconclusive. The evidence is insufficient to meet ACMG/AMP criteria for classifying the variant as benign or pathogenic. Thus, the clinical significance of this variant is currently uncertain.

NM_002439.5(MSH3):c.1519A>G (p.Ile507Val)

Gene: MSH3 (mutS homolog 3; plus strand). Cytogenetic location: 5q14.1.
Variant type: single nucleotide variant.
Coding change: c.1519A>G on transcript NM_002439.5 (MANE Select); coding-DNA position 1519, A replaced by G.
Protein change: p.Ile507Val; replaces isoleucine 507 with valine.
Molecular consequence: missense variant.
Genome position (GRCh38, 1-based): chr5:80,728,916, A>G. VCF-style: chr5-80728916-A-G. GRCh37 (hg19) VCF-style: chr5-80024735-A-G.
Other names: short protein forms I507V.
Identifiers: ClinVar variation 663433 (VCV000663433.17), dbSNP rs770250448, ClinGen allele CA3327944.